The following is an entry in ClinVar:

ClinVar aggregate classification (germline): Uncertain significance (1 of 4 stars; one submission).

Conditions:
Hypotonia, ataxia, and delayed development syndrome (HADDS). Also called: EBF3 Neurodevelopmental Disorder. Identifiers: Orphanet 658843, MedGen C4310618, MONDO:0015021, OMIM 617330.

Submission:

Laboratorio de Genetica e Diagnostico Molecular, Hospital Israelita Albert Einstein
Classification: Uncertain significance for Hypotonia, ataxia, and delayed development syndrome. Last evaluated: 2023-05-12. Review status: criteria provided, single submitter. Criteria: ACMG Guidelines, 2015. Collection method: clinical testing. Allele origin: germline. Affected: yes.
Comment: ACMG classification criteria: PVS1 moderate, PM2 moderate

NM_001375380.1(EBF3):c.1838_1839del (p.His612_Phe613insTer)

Gene: EBF3 (EBF transcription factor 3; minus strand). Cytogenetic location: 10q26.3.
Variant type: Deletion.
Coding change: c.1838_1839del on transcript NM_001375380.1 (MANE Select); coding-DNA positions 1838 to 1839, 2 bases deleted (TT; older notation c.1838_1839delTT).
Protein change: p.His612_Phe613insTer.
Molecular consequence: nonsense. On other transcripts: intron variant (4).
Genome position (GRCh38, 1-based): chr10:129,839,116-129,839,117, AA deleted on the plus strand (TT on the coding strand, the reverse complement: EBF3 is on the minus strand); deleting any 2 consecutive bases within chr10:129,839,116-129,839,118 gives the same sequence; the c. name uses the placement nearest the transcript's 3' end. VCF-style (leftmost placement, unchanged base first): chr10-129839115-CAA-C. GRCh37 (hg19) VCF-style: chr10-131637379-CAA-C.
Other names: c.1759+1128_1759+1129del (NM_001375379.1); c.1730_1731del, p.His576_Phe577insTer (NM_001375389.1); c.1703_1704del, p.His567_Phe568insTer (NM_001375390.1); c.1543+1128_1543+1129del (NM_001375392.1); c.1624+1128_1624+1129del (NM_001005463.3); c.1651+1128_1651+1129del (NM_001375391.1).
Identifiers: ClinVar variation 3901977 (VCV003901977.1).
Genomic context (GRCh38, chr10:129,839,115, plus strand): 5'-GAAGACAATGATTTCAAATCACTGATACCTTTCCAGTTCCTTTTTTGAGCATTAGTTCAT[CAA>C]AGTGAAATATGCCACCGACTTCACAAAAGGGCCAGTTTGTCTTCTCCGCGGCTACGTCCT-3'